The following is an entry in ClinVar:

ClinVar aggregate classification (germline): Benign/Likely benign. Review status: criteria provided, multiple submitters, no conflicts (2 of 4 stars). 10 submissions from 10 submitters: Benign (9); Likely benign (1). Last evaluated 2026-02-04.

Conditions:
Thrombocytopenia 2 (THC2). Also called: ANKRD26-Related Thrombocytopenia. Identifiers: Orphanet 268322, MedGen C1861185, MONDO:0008555, OMIM 188000.

Allele frequency attached by ClinVar (database versions not stated): gnomAD exomes 0.17147 and 0.22033; ESP Exome Variant Server 0.17227; gnomAD 0.19017 and 0.20000; TOPMed 0.19277; ExAC 0.22170; 1000 Genomes Project 30x 0.30824; 1000 Genomes Project 0.31729.
gnomAD v4.1: 281,857 of 1,610,364 alleles (18%); highest among the groups gnomAD compares: East Asian, 57%; 31,558 homozygotes.

Submissions (10):

Labcorp Genetics (formerly Invitae), Labcorp
Classification: Benign. Last evaluated: 2026-02-04. Review status: criteria provided, single submitter. Criteria: Invitae Variant Classification Sherloc (09022015). Collection method: clinical testing. Allele origin: germline.

ARUP Laboratories, Molecular Genetics and Genomics, ARUP Laboratories
Classification: Benign for Thrombocytopenia 2. Last evaluated: 2025-07-28. Review status: criteria provided, single submitter. Criteria: ARUP Molecular Germline Variant Investigation Process 2024. Collection method: clinical testing. Allele origin: germline.

Laboratory of Genetics, Children's Clinical University Hospital Latvia
Classification: Benign. Last evaluated: 2025-02-16. Review status: criteria provided, single submitter. Criteria: ACMG Guidelines, 2015. Collection method: clinical testing. Allele origin: germline. Affected: yes.

Blueprint Genetics
Classification: Likely benign. Last evaluated: 2024-11-27. Review status: criteria provided, single submitter. Criteria: ACMG Guidelines, 2015. Collection method: clinical testing. Allele origin: germline.

Mayo Clinic Laboratories, Mayo Clinic
Classification: Benign. Last evaluated: 2022-10-21. Review status: criteria provided, single submitter. Criteria: ACMG Guidelines, 2015. Collection method: clinical testing. Allele origin: germline. Observed: 328 variant alleles.

Genome-Nilou Lab
Classification: Benign for Thrombocytopenia 2. Last evaluated: 2021-12-05. Review status: criteria provided, single submitter. Criteria: ACMG Guidelines, 2015. Collection method: clinical testing. Allele origin: germline. Affected: no.

GeneDx
Classification: Benign. Last evaluated: 2018-11-08. Review status: criteria provided, single submitter. Criteria: GeneDx Variant Classification Process June 2021. Collection method: clinical testing. Allele origin: germline. Affected: yes.

Illumina Laboratory Services, Illumina
Classification: Benign for Thrombocytopenia 2. Last evaluated: 2018-01-12. Review status: criteria provided, single submitter. Criteria: ICSL Variant Classification Criteria 13 December 2019. Collection method: clinical testing. Allele origin: germline.
Comment: This variant was observed in the ICSL laboratory as part of a predisposition screen in an ostensibly healthy population. It had not been previously curated by ICSL or reported in the Human Gene Mutation Database (HGMD: prior to June 1st, 2018), and was therefore a candidate for classification through an automated scoring system. Utilizing variant allele frequency, disease prevalence and penetrance estimates, and inheritance mode, an automated score was calculated to assess if this variant is too frequent to cause the disease. Based on the score and internal cut-off values, a variant classified as benign is not then subjected to further curation. The score for this variant resulted in a classification of benign for this disease.

Breakthrough Genomics
Classification: Benign. Review status: criteria provided, single submitter. Criteria: ACMG Guidelines, 2015. Collection method: not provided. Allele origin: germline. Inheritance: Autosomal dominant inheritance. Affected: yes.

PreventionGenetics, part of Exact Sciences
Classification: Benign. Review status: criteria provided, single submitter. Criteria: ACMG Guidelines, 2015. Collection method: clinical testing. Allele origin: germline.

NM_014915.3(ANKRD26):c.3913G>A (p.Val1305Ile)

Gene: ANKRD26 (ankyrin repeat domain 26; minus strand). Cytogenetic location: 10p12.1.
Variant type: single nucleotide variant.
Coding change: c.3913G>A on transcript NM_014915.3 (MANE Select); coding-DNA position 3913, G replaced by A.
Protein change: p.Val1305Ile; replaces valine 1305 with isoleucine.
Molecular consequence: missense variant.
Genome position (GRCh38, 1-based): chr10:27,028,911, C>T on the plus strand (G>A on the coding strand, the complement: ANKRD26 is on the minus strand). VCF-style: chr10-27028911-C-T. GRCh37 (hg19) VCF-style: chr10-27317840-C-T.
Other names: p.Val1305Ile; c.3910G>A, p.Val1304Ile (NM_001256053.2); short protein forms V1305I, V1304I.
Identifiers: ClinVar variation 260467 (VCV000260467.27), dbSNP rs10829163, ClinGen allele CA5447898.